The following is an entry in ClinVar:

NM_052947.4(ALPK2):c.3136G>C (p.Glu1046Gln)

Gene: ALPK2 (alpha kinase 2; minus strand). Cytogenetic location: 18q21.31.
Variant type: single nucleotide variant.
Coding change: c.3136G>C on transcript NM_052947.4 (MANE Select); coding-DNA position 3136, G replaced by C.
Protein change: p.Glu1046Gln; replaces glutamic acid 1046 with glutamine.
Molecular consequence: missense variant.
Genome position (GRCh38, 1-based): chr18:58,537,051, C>G on the plus strand (G>C on the coding strand, the complement: ALPK2 is on the minus strand). VCF-style: chr18-58537051-C-G. GRCh37 (hg19) VCF-style: chr18-56204283-C-G.
Other names: short protein forms E1046Q.
Identifiers: ClinVar variation 3228676 (VCV003228676.1), dbSNP rs1210752780, ClinGen allele CA402569033.
Genomic context (GRCh38, chr18:58,537,051, plus strand): 5'-TGGTAGCACCACTTAAAATATGATCCAACTGCACTTGGGAAGGAAATTGGGAAACCTTTT[C>G]ATGGGATGCACGAGGGAACCTCTCCTCAGTGCCACCTGCATGCTTGTCCTCAGGAATTGA-3'
Protein context (NP_443179.3, residues 1036-1056): TEERFPRASH[Glu1046Gln]KVSQFPSQVQ

ClinVar aggregate classification (germline): Uncertain significance (1 of 4 stars; one submission).

Submission:

Ambry Genetics
Classification: Uncertain significance. Last evaluated: 2023-10-16. Review status: criteria provided, single submitter. Criteria: Ambry Variant Classification Scheme 2023. Collection method: clinical testing. Allele origin: germline.
Comment: The p.E1046Q variant (also known as c.3136G>C), located in coding exon 4 of the ALPK2 gene, results from a G to C substitution at nucleotide position 3136. The glutamic acid at codon 1046 is replaced by glutamine, an amino acid with highly similar properties. This amino acid position is conserved. In addition, this alteration is predicted to be tolerated by in silico analysis. Since supporting evidence is limited at this time, the clinical significance of this alteration remains unclear.